The following is an entry in ClinVar:

NM_000379.4(XDH):c.2873A>G (p.Gln958Arg)

Gene: XDH (xanthine dehydrogenase; minus strand). Cytogenetic location: 2p23.1.
Variant type: single nucleotide variant.
Coding change: c.2873A>G on transcript NM_000379.4 (MANE Select); coding-DNA position 2873, A replaced by G.
Protein change: p.Gln958Arg; replaces glutamine 958 with arginine.
Molecular consequence: missense variant.
Genome position (GRCh38, 1-based): chr2:31,349,782, T>C on the plus strand (A>G on the coding strand, the complement: XDH is on the minus strand). VCF-style: chr2-31349782-T-C. GRCh37 (hg19) VCF-style: chr2-31572648-T-C.
Other names: short protein forms Q958R.
Identifiers: ClinVar variation 1390571 (VCV001390571.8), dbSNP rs753754469, ClinGen allele CA1598640.

ClinVar aggregate classification (germline): Uncertain significance (1 of 4 stars; one submission).

Conditions:
Xanthinuria type II. Also called: Xanthine dehydrogenase and aldehyde oxidase combined deficiency of; XDH and AOX dual deficiency. Identifiers: Orphanet 3467, Orphanet 93602, MedGen C1863688, MONDO:0011346, OMIM 603592.

Allele frequency attached by ClinVar (database versions not stated): ExAC 0.00001; gnomAD exomes 0.00001.
gnomAD v4.1: 9 of 1,614,198 alleles (0.00056%); highest among the groups gnomAD compares: Middle Eastern, 0.016%; no homozygotes.

Submission:

Labcorp Genetics (formerly Invitae), Labcorp
Classification: Uncertain significance for Xanthinuria type II. Last evaluated: 2021-04-28. Review status: criteria provided, single submitter. Criteria: Invitae Variant Classification Sherloc (09022015). Collection method: clinical testing. Allele origin: germline.
Comment: In summary, the available evidence is currently insufficient to determine the role of this variant in disease. Therefore, it has been classified as a Variant of Uncertain Significance. Algorithms developed to predict the effect of missense changes on protein structure and function are either unavailable or do not agree on the potential impact of this missense change (SIFT: "Tolerated"; PolyPhen-2: "Probably Damaging"; Align-GVGD: "Class C0"). This variant has not been reported in the literature in individuals with XDH-related conditions. This variant is present in population databases (rs753754469, ExAC 0.001%). This sequence change replaces glutamine with arginine at codon 958 of the XDH protein (p.Gln958Arg). The glutamine residue is highly conserved and there is a small physicochemical difference between glutamine and arginine.